The following is an entry in ClinVar:

NM_002769.5(PRSS1):c.98A>C (p.Asn33Thr)

Genes: PRSS1 (serine protease 1; plus strand), TRB (T cell receptor beta locus; plus strand). Cytogenetic location: 7q34.
Variant type: single nucleotide variant.
Coding change: c.98A>C on transcript NM_002769.5 (MANE Select); coding-DNA position 98, A replaced by C.
Protein change: p.Asn33Thr; replaces asparagine 33 with threonine.
Molecular consequence: missense variant. On other transcripts: non-coding transcript variant (2).
Genome position (GRCh38, 1-based): chr7:142,750,612, A>C. VCF-style: chr7-142750612-A-C. GRCh37 (hg19) VCF-style: chr7-142458463-A-C.
Other names: short protein forms N33T.
Identifiers: ClinVar variation 2496907 (VCV002496907.3), dbSNP rs2485732916, ClinGen allele CA369607209.
Genomic context (GRCh38, chr7:142,750,612, plus strand): 5'-CAGTTGCTGCCCCCTTTGATGATGATGACAAGATCGTTGGGGGCTACAACTGTGAGGAGA[A>C]TTCTGTCCCCTACCAGGTGTCCCTGAATTCTGGCTACCACTTCTGTGGTGGCTCCCTCAT-3'
Protein context (NP_002760.1, residues 23-43): KIVGGYNCEE[Asn33Thr]SVPYQVSLNS

ClinVar aggregate classification (germline): Uncertain significance (1 of 4 stars; one submission).

Conditions:
Hereditary pancreatitis (PCTT). Also called: Hereditary chronic pancreatitis; PRSS1-Related Hereditary Pancreatitis. Identifiers: Orphanet 676, MedGen C0238339, MONDO:0008185, OMIM 167800.

Submission:

Ambry Genetics
Classification: Uncertain significance for Hereditary pancreatitis. Last evaluated: 2025-03-22. Review status: criteria provided, single submitter. Criteria: Ambry Variant Classification Scheme 2023. Collection method: clinical testing. Allele origin: germline.
Comment: The p.N33T variant (also known as c.98A>C), located in coding exon 2 of the PRSS1 gene, results from an A to C substitution at nucleotide position 98. The asparagine at codon 33 is replaced by threonine, an amino acid with similar properties. This amino acid position is conserved. In addition, the in silico prediction for this alteration is inconclusive. Since supporting evidence is limited at this time, the clinical significance of this alteration remains unclear.